The following is an entry in ClinVar:

NM_030957.4(ADAMTS10):c.773G>A (p.Arg258Gln)

Gene: ADAMTS10 (ADAM metallopeptidase with thrombospondin type 1 motif 10; minus strand). Cytogenetic location: 19p13.2.
Variant type: single nucleotide variant.
Coding change: c.773G>A on transcript NM_030957.4 (MANE Select); coding-DNA position 773, G replaced by A.
Protein change: p.Arg258Gln; replaces arginine 258 with glutamine.
Molecular consequence: missense variant.
Genome position (GRCh38, 1-based): chr19:8,600,965, C>T on the plus strand (G>A on the coding strand, the complement: ADAMTS10 is on the minus strand). VCF-style: chr19-8600965-C-T. GRCh37 (hg19) VCF-style: chr19-8665849-C-T.
Other names: c.773G>A (NM_030957.2); short protein forms R258Q.
Identifiers: ClinVar variation 1465454 (VCV001465454.6), dbSNP rs781892367, ClinGen allele CA9160737.

ClinVar aggregate classification (germline): Uncertain significance. Review status: criteria provided, multiple submitters, no conflicts (2 of 4 stars). 2 submissions from 2 submitters: Uncertain significance (2). Last evaluated 2023-10-13.

Conditions:
Inborn genetic diseases. Identifiers: MedGen C0950123, MeSH D030342.

Allele frequency attached by ClinVar (database versions not stated): ExAC 0.00001; gnomAD exomes 0.00001; TOPMed 0.00001.

Submissions (2):

Labcorp Genetics (formerly Invitae), Labcorp
Classification: Uncertain significance. Last evaluated: 2023-10-13. Review status: criteria provided, single submitter. Criteria: Invitae Variant Classification Sherloc (09022015). Collection method: clinical testing. Allele origin: germline.
Comment: This sequence change replaces arginine, which is basic and polar, with glutamine, which is neutral and polar, at codon 258 of the ADAMTS10 protein (p.Arg258Gln). This variant is present in population databases (rs781892367, gnomAD 0.003%). This variant has not been reported in the literature in individuals affected with ADAMTS10-related conditions. ClinVar contains an entry for this variant (Variation ID: 1465454). An algorithm developed to predict the effect of missense changes on protein structure and function (PolyPhen-2) suggests that this variant¬†is likely to be tolerated. In summary, the available evidence is currently insufficient to determine the role of this variant in disease. Therefore, it has been classified as a Variant of Uncertain Significance.

Ambry Genetics
Classification: Uncertain significance for Inborn genetic diseases. Last evaluated: 2023-03-20. Review status: criteria provided, single submitter. Criteria: Ambry Variant Classification Scheme 2023. Collection method: clinical testing. Allele origin: germline.